The following is an entry in ClinVar:

ClinVar aggregate classification (germline): Benign (1 of 4 stars; one submission).

Submission:

Laboratory for Molecular Medicine, Mass General Brigham Personalized Medicine
Classification: Benign. Last evaluated: 2016-03-29. Review status: criteria provided, single submitter. Criteria: LMM Criteria. Collection method: clinical testing. Allele origin: germline.
Comment: Variant identified in a genome or exome case(s) and assessed due to predicted null impact of the variant or pathogenic assertions in the literature or databases. Disclaimer: This variant has not undergone full assessment. The following are preliminary notes: Outside splice consensus.

NM_173489.5(MROH2B):c.2241+8_2241+9insAAATAGAT

Gene: MROH2B (maestro heat like repeat family member 2B; minus strand). Cytogenetic location: 5p13.1.
Variant type: Insertion.
Coding change: c.2241+8_2241+9insAAATAGAT on transcript NM_173489.5 (MANE Select); bases 8 to 9 of the intron after coding-DNA position 2241, AAATAGAT inserted.
Molecular consequence: intron variant.
Genome position: GRCh38 VCF-style: chr5-41033829-C-CTATCTATT. GRCh37 (hg19) VCF-style: chr5-41033931-C-CTATCTATT.
Identifiers: ClinVar variation 403104 (VCV000403104.4), dbSNP rs70988830, ClinGen allele CA3251253.